The following is an entry in ClinVar:

NM_174936.4(PCSK9):c.197G>C (p.Arg66Pro)

Gene: PCSK9 (proprotein convertase subtilisin/kexin type 9; plus strand). Cytogenetic location: 1p32.3.
Variant type: single nucleotide variant.
Coding change: c.197G>C on transcript NM_174936.4 (MANE Select); coding-DNA position 197, G replaced by C.
Protein change: p.Arg66Pro; replaces arginine 66 with proline.
Molecular consequence: missense variant. On other transcripts: 5 prime UTR variant (1), non-coding transcript variant (8).
Genome position (GRCh38, 1-based): chr1:55,040,034, G>C. VCF-style: chr1-55040034-G-C. GRCh37 (hg19) VCF-style: chr1-55505707-G-C.
Other names: c.197G>C, p.Arg66Pro (NM_001407240.1, NM_001407241.1, NM_001407242.1 and 4 more transcripts); c.-538G>C (NM_001407246.1); short protein forms R66P.
Identifiers: ClinVar variation 2637197 (VCV002637197.2), dbSNP rs1299375629, ClinGen allele CA340483240.

ClinVar aggregate classification (germline): Uncertain significance. Review status: criteria provided, multiple submitters, no conflicts (2 of 4 stars). 2 submissions from 2 submitters: Uncertain significance (2). Last evaluated 2026-01-23.

Conditions:
PCSK9-related disorder. Also called: PCSK9-related condition; PCSK9-related disorders.

Submissions (2):

Women's Health and Genetics/Laboratory Corporation of America, LabCorp
Classification: Uncertain significance. Last evaluated: 2026-01-23. Review status: criteria provided, single submitter. Criteria: LabCorp Variant Classification Summary - May 2015. Collection method: clinical testing. Allele origin: germline.

PreventionGenetics, part of Exact Sciences
Classification: Uncertain significance for PCSK9-related condition. Last evaluated: 2022-09-29. Review status: criteria provided, single submitter. Criteria: ACMG Guidelines, 2015. Collection method: clinical testing. Allele origin: germline.
Comment: The PCSK9 c.197G>C variant is predicted to result in the amino acid substitution p.Arg66Pro. To our knowledge, this variant has not been reported in the literature or in a large population database, indicating this variant is rare. At this time, the clinical significance of this variant is uncertain due to the absence of conclusive functional and genetic evidence.